The following is an entry in ClinVar:

NM_000329.3(RPE65):c.596dup (p.Asn199fs)

Gene: RPE65 (retinoid isomerohydrolase RPE65; minus strand). Cytogenetic location: 1p31.3.
Variant type: Duplication.
Coding change: c.596dup on transcript NM_000329.3 (MANE Select); coding-DNA position 596, one base duplicated (A; older notation c.596dupA).
Protein change: p.Asn199fs; shifts the reading frame from asparagine 199.
Molecular consequence: frameshift variant.
Genome position (GRCh38, 1-based): chr1:68,440,900, T duplicated on the plus strand (A on the coding strand, the reverse complement: RPE65 is on the minus strand); the first of 6 consecutive T bases (chr1:68,440,900-68,440,905); duplicating any one gives the same sequence. VCF-style (leftmost placement, unchanged base first): chr1-68440899-A-AT. GRCh37 (hg19) VCF-style: chr1-68906582-A-AT.
Other names: NM_000329.3:c.596dup; c.488dup, p.Asn163fs (NM_001406853.1); c.320dup, p.Asn107fs (NM_001406856.1, NM_001406857.1); c.596dup, p.Asn199fs (NM_001406859.1); short protein forms N199fs, N107fs, N163fs.
Identifiers: ClinVar variation 3024119 (VCV003024119.2), dbSNP rs2523432243, ClinGen allele CA2586966742.

ClinVar aggregate classification (germline): Pathogenic. Review status: reviewed by expert panel (3 of 4 stars). 2 submissions from 2 submitters: Pathogenic (1). 1 of the submissions does not count toward it. Last evaluated 2024-02-20.

Conditions:
RPE65-related recessive retinopathy. Also called: Recessive RPE65 retinopathy. Identifiers: MedGen CN305526, MONDO:0100368.
RPE65-related disorder. Also called: RPE65-related condition; RPE65-related disorders. Identifiers: MedGen CN239301.

Submissions (2):

ClinGen Leber Congenital Amaurosis/early Onset Retinal Dystrophy Variant Curation Expert Panel, ClinGen
Classification: Pathogenic for RPE65-related recessive retinopathy. Last evaluated: 2024-02-20. Review status: reviewed by expert panel. Criteria: ClinGen LCAeoRD ACMG Specifications RPE65 V1.0.0. Collection method: curation. Allele origin: germline. Inheritance: Autosomal recessive inheritance.
Comment: NM_000329.3(RPE65):c.596dup (p.Asn199LysfsTer?) is a frameshift variant that introduces a premature stop codon into exon 6 of 14, and is predicted to lead to nonsense-mediated decay in a gene in which loss-of-function is an established mechanism of disease (PVS1). This variant is absent from gnomAD v2.1.1 (PM2_Supporting). At least one proband harboring this variant exhibits a phenotype including diagnosis of Leber congenital amaurosis (0.5 pts) with genotyping by targeted exome sequencing of 168 retinal genes without identifying an alternative cause of disease (2 pts), onset before age 5 years (1 pt), light staring (1 pt), nystagmus (1 pt), and extinguished electroretinogram responses from rods (0.5 pts) and cones (1 pt), which together are specific for RPE65-related recessive retinopathy (7 points, PMID: 34830511, PP4). In summary, this variant meets the criteria to be classified as pathogenic for RPE65-related recessive retinopathy based on the ACMG/AMP criteria applied, as specified by the ClinGen LCA / eoRD VCEP: PVS1, PM2_Supporting, PP4. (VCEP specifications version 1.0.0; date of approval 09/21/2023).

Blueprint Genetics
Classification: Likely pathogenic for RPE65-related disorders. Last evaluated: 2017-09-12. Review status: criteria provided, single submitter. Criteria: ACMG Guidelines, 2015. Collection method: clinical testing. Allele origin: germline. Affected: yes. Observed: 1 variant allele. Not counted in ClinVar's aggregate classification.